The following is an entry in ClinVar:

ClinVar aggregate classification (germline): Benign/Likely benign. Review status: criteria provided, multiple submitters, no conflicts (2 of 4 stars). 6 submissions from 6 submitters: Benign (1); Likely benign (5). Last evaluated 2025-01-30.

Conditions:
Hereditary nonpolyposis colorectal neoplasms. Identifiers: MedGen C0009405, MeSH D003123.
Hereditary cancer-predisposing syndrome. Also called: Hereditary Cancer Syndrome; Hereditary neoplastic syndrome; Neoplastic Syndromes, Hereditary; Tumor predisposition. Identifiers: Orphanet 140162, MedGen C0027672, MeSH D009386, MONDO:0015356.
Lynch syndrome. Identifiers: Orphanet 144, MedGen C4552100, MONDO:0005835. Disease mechanism: loss of function.
Lynch syndrome 4 (LYNCH4). Also called: Colorectal cancer, hereditary nonpolyposis, type 4; Hereditary non-polyposis colorectal cancer, type 4. Identifiers: Orphanet 144, MedGen C1838333, MONDO:0013699, OMIM 614337. Disease mechanism: loss of function.

Submissions (6):

Myriad Genetics, Inc.
Classification: Benign for Lynch syndrome 4. Last evaluated: 2025-01-30. Review status: criteria provided, single submitter. Criteria: Myriad Autosomal Dominant, Autosomal Recessive and X-Linked Classification Criteria (2023). Collection method: clinical testing. Allele origin: unknown.
Comment: This variant is considered benign. This variant is a silent/synonymous amino acid change and it is not expected to impact splicing.

Labcorp Genetics (formerly Invitae), Labcorp
Classification: Likely benign for Hereditary nonpolyposis colorectal neoplasms. Last evaluated: 2024-12-12. Review status: criteria provided, single submitter. Criteria: Invitae Variant Classification Sherloc (09022015). Collection method: clinical testing. Allele origin: germline.

All of Us Research Program, National Institutes of Health
Classification: Likely benign for Lynch syndrome. Last evaluated: 2024-04-16. Review status: criteria provided, single submitter. Criteria: ACMG Guidelines, 2015. Collection method: clinical testing. Allele origin: germline. Inheritance: Autosomal dominant inheritance. Observed: 1 variant allele, 1 heterozygote.
Comment: This study involves interpretation of variants in research participants for the purpose of population health screening. Participant phenotype was not available at the time of variant classification. Additional details can be found in publication PMID: 35346344, PMCID: PMC8962531

Women's Health and Genetics/Laboratory Corporation of America, LabCorp
Classification: Likely benign. Last evaluated: 2020-01-12. Review status: criteria provided, single submitter. Criteria: LabCorp Variant Classification Summary - May 2015. Collection method: clinical testing. Allele origin: germline.

Ambry Genetics
Classification: Likely benign for Hereditary cancer-predisposing syndrome. Last evaluated: 2019-03-20. Review status: criteria provided, single submitter. Criteria: Ambry Variant Classification Scheme 2023. Collection method: clinical testing. Allele origin: germline.

GeneDx
Classification: Likely benign. Last evaluated: 2018-05-14. Review status: criteria provided, single submitter. Criteria: GeneDx Variant Classification Process June 2021. Collection method: clinical testing. Allele origin: germline. Affected: yes.

NM_000535.7(PMS2):c.1422A>C (p.Ala474=)

Gene: PMS2 (PMS1 homolog 2, mismatch repair system component; minus strand). Cytogenetic location: 7p22.1.
Variant type: single nucleotide variant.
Coding change: c.1422A>C on transcript NM_000535.7 (MANE Select); coding-DNA position 1422, A replaced by C.
Protein change: p.Ala474=; no amino-acid change (alanine 474 retained).
Molecular consequence: synonymous variant. On other transcripts: non-coding transcript variant (1).
Genome position (GRCh38, 1-based): chr7:5,987,343, T>G on the plus strand (A>C on the coding strand, the complement: PMS2 is on the minus strand). VCF-style: chr7-5987343-T-G. GRCh37 (hg19) VCF-style: chr7-6026974-T-G.
Other names: c.1017A>C, p.Ala339= (NM_001322003.2, NM_001322004.2, NM_001322005.2 and 1 more transcripts); c.1266A>C, p.Ala422= (NM_001322006.2); c.1104A>C, p.Ala368= (NM_001322007.2, NM_001322008.2); c.861A>C, p.Ala287= (NM_001322010.2); c.489A>C, p.Ala163= (NM_001322011.2, NM_001322012.2); c.849A>C, p.Ala283= (NM_001322013.2); c.1422A>C, p.Ala474= (NM_001322014.2); c.1113A>C, p.Ala371= (NM_001322015.2).
Identifiers: ClinVar variation 385114 (VCV000385114.17), dbSNP rs1057522125, ClinGen allele CA16605836.